The following is an entry in ClinVar:

NM_000057.4(BLM):c.2284C>A (p.Leu762Ile)

Gene: BLM (BLM RecQ like helicase; plus strand). Cytogenetic location: 15q26.1.
Variant type: single nucleotide variant.
Coding change: c.2284C>A on transcript NM_000057.4 (MANE Select); coding-DNA position 2284, C replaced by A.
Protein change: p.Leu762Ile; replaces leucine 762 with isoleucine.
Molecular consequence: missense variant.
Genome position (GRCh38, 1-based): chr15:90,767,000, C>A. VCF-style: chr15-90767000-C-A. GRCh37 (hg19) VCF-style: chr15-91310230-C-A.
Other names: c.2284C>A, p.Leu762Ile (NM_001287246.2, NM_001287247.2); c.1159C>A, p.Leu387Ile (NM_001287248.2); short protein forms L387I, L762I.
Identifiers: ClinVar variation 2566819 (VCV002566819.2), dbSNP rs2505447439, ClinGen allele CA393844959.
Genomic context (GRCh38, chr15:90,767,000, plus strand): 5'-ACTGACTCAGAAGCTACAAATATTTACCTCCAGTTATCAAAAAAAGACCCAATCATAAAA[C>A]TTCTATATGTCACTCCAGAAAAGGTTTGTATTTATATCATTATTTTAAAATATATTAAAG-3'
Protein context (NP_000048.1, residues 752-772): QLSKKDPIIK[Leu762Ile]LYVTPEKICA

ClinVar aggregate classification (germline): Uncertain significance (1 of 4 stars; one submission).

Conditions:
Hereditary cancer-predisposing syndrome. Also called: Hereditary neoplastic syndrome; Hereditary Cancer Syndrome; Neoplastic Syndromes, Hereditary; Tumor predisposition. Identifiers: Orphanet 140162, MedGen C0027672, MeSH D009386, MONDO:0015356.

Submission:

Ambry Genetics
Classification: Uncertain significance for Hereditary cancer-predisposing syndrome. Last evaluated: 2023-04-06. Review status: criteria provided, single submitter. Criteria: Ambry Variant Classification Scheme 2023. Collection method: clinical testing. Allele origin: germline.
Comment: The p.L762I variant (also known as c.2284C>A), located in coding exon 9 of the BLM gene, results from a C to A substitution at nucleotide position 2284. The leucine at codon 762 is replaced by isoleucine, an amino acid with highly similar properties. This amino acid position is conserved. In addition, the in silico prediction for this alteration is inconclusive. Since supporting evidence is limited at this time, the clinical significance of this alteration remains unclear.